The following is an entry in ClinVar:

NM_000132.4(F8):c.1589A>G (p.Tyr530Cys)

Gene: F8 (coagulation factor VIII; minus strand). Cytogenetic location: Xq28.
Variant type: single nucleotide variant.
Coding change: c.1589A>G on transcript NM_000132.4 (MANE Select); coding-DNA position 1589, A replaced by G.
Protein change: p.Tyr530Cys; replaces tyrosine 530 with cysteine.
Molecular consequence: missense variant.
Genome position (GRCh38, 1-based): chrX:154,957,120, T>C on the plus strand (A>G on the coding strand, the complement: F8 is on the minus strand). VCF-style: chrX-154957120-T-C. GRCh37 (hg19) VCF-style: chrX-154185395-T-C.
Other names: short protein forms Y530C.
Identifiers: ClinVar variation 439676 (VCV000439676.9), dbSNP rs1557281265, ClinGen allele CA414912104.

ClinVar aggregate classification (germline): Pathogenic/Likely pathogenic. Review status: criteria provided, multiple submitters, no conflicts (2 of 4 stars). 2 submissions from 2 submitters: Pathogenic (1); Likely pathogenic (1). Last evaluated 2023-09-21.

Submissions (2):

Mayo Clinic Laboratories, Mayo Clinic
Classification: Likely pathogenic. Last evaluated: 2023-09-21. Review status: criteria provided, single submitter. Criteria: ACMG Guidelines, 2015. Collection method: clinical testing. Allele origin: germline. Observed: 1 variant allele.
Comment: PP3, PM1, PM2_moderate, PS4_moderate

ARUP Laboratories, Molecular Genetics and Genomics, ARUP Laboratories
Classification: Pathogenic. Last evaluated: 2016-10-28. Review status: criteria provided, single submitter. Criteria: ARUP Molecular Germline Variant Investigation Process. Collection method: clinical testing. Allele origin: germline.

Literature cited by the submitters: PubMed 16769589 (cited by Mayo Clinic Laboratories, Mayo Clinic); PubMed 16786531 (cited by Mayo Clinic Laboratories, Mayo Clinic).